The following is an entry in ClinVar:

NM_147127.5(EVC2):c.745C>T (p.Gln249Ter)

Gene: EVC2 (EvC ciliary complex subunit 2; minus strand). Cytogenetic location: 4p16.2.
Variant type: single nucleotide variant.
Coding change: c.745C>T on transcript NM_147127.5 (MANE Select); coding-DNA position 745, C replaced by T.
Protein change: p.Gln249Ter; replaces glutamine 249 with a stop codon.
Molecular consequence: nonsense.
Genome position (GRCh38, 1-based): chr4:5,685,441, G>A on the plus strand (C>T on the coding strand, the complement: EVC2 is on the minus strand). VCF-style: chr4-5685441-G-A. GRCh37 (hg19) VCF-style: chr4-5687168-G-A.
Other names: c.505C>T, p.Gln169Ter (NM_001166136.2); short protein forms Q249*, Q169*.
Identifiers: ClinVar variation 552093 (VCV000552093.11), dbSNP rs1236566474, ClinGen allele CA356146902.

ClinVar aggregate classification (germline): Pathogenic/Likely pathogenic. Review status: criteria provided, multiple submitters, no conflicts (2 of 4 stars). 3 submissions from 3 submitters: Pathogenic (1); Likely pathogenic (1). 1 of the submissions does not count toward it. Last evaluated 2024-11-12.

Conditions:
Curry-Hall syndrome (WAD). Also called: WEYERS ACRODENTAL DYSOSTOSIS. Identifiers: Orphanet 952, MedGen C0457013, MONDO:0008673, OMIM 193530.
Ellis-van Creveld syndrome (EVC). Also called: EVC2-Related Ellis-van Creveld Syndrome; EVC-Related Ellis-van Creveld Syndrome; MESOECTODERMAL DYSPLASIA; Chondroectodermal dysplasia. Identifiers: Orphanet 289, MedGen C0013903, MONDO:0009162, OMIM 225500.

Allele frequency attached by ClinVar (database versions not stated): gnomAD 0.00001; gnomAD exomes 0.00001; TOPMed 0.00002.
gnomAD v4.1: 21 of 1,614,098 alleles (0.0013%); highest among the groups gnomAD compares: Non-Finnish European, 0.0018%; no homozygotes.

Submissions (3):

Labcorp Genetics (formerly Invitae), Labcorp
Classification: Pathogenic for Curry-Hall syndrome; Ellis-van Creveld syndrome. Last evaluated: 2024-11-12. Review status: criteria provided, single submitter. Criteria: Invitae Variant Classification Sherloc (09022015). Collection method: clinical testing. Allele origin: germline.
Comment: This sequence change creates a premature translational stop signal (p.Gln249*) in the EVC2 gene. It is expected to result in an absent or disrupted protein product. Loss-of-function variants in EVC2 are known to be pathogenic (PMID: 17024374, 19810119, 19876929). This variant is present in population databases (no rsID available, gnomAD 0.003%). This premature translational stop signal has been observed in individual(s) with autosomal recessive Ellis-van Creveld syndrome (PMID: 17024374, 19810119). ClinVar contains an entry for this variant (Variation ID: 552093). For these reasons, this variant has been classified as Pathogenic.

Fulgent Genetics
Classification: Likely pathogenic for Curry-Hall syndrome; Ellis-van Creveld syndrome. Last evaluated: 2024-01-15. Review status: criteria provided, single submitter. Criteria: ACMG Guidelines, 2015. Collection method: clinical testing. Allele origin: germline.

Counsyl
Classification: Pathogenic for Ellis-van Creveld syndrome. Last evaluated: 2017-05-22. Review status: no assertion criteria provided. Collection method: clinical testing. Allele origin: unknown. Not counted in ClinVar's aggregate classification.

Literature cited by the submitters: PubMed 17024374 (cited by Labcorp Genetics (formerly Invitae), Labcorp and Counsyl); PubMed 19810119 (cited by Labcorp Genetics (formerly Invitae), Labcorp and Counsyl); PubMed 19876929 (cited by Labcorp Genetics (formerly Invitae), Labcorp).